The following is an entry in ClinVar:

ClinVar aggregate classification (germline): Uncertain significance. Review status: criteria provided, multiple submitters, no conflicts (2 of 4 stars). 2 submissions from 2 submitters: Uncertain significance (2). Last evaluated 2022-10-13.

Allele frequency attached by ClinVar (database versions not stated): gnomAD exomes below 0.00001 and 0.00001; ExAC 0.00001.
gnomAD v4.1: 6 of 1,613,096 alleles (0.00037%); highest among the groups gnomAD compares: Admixed American, 0.0033%; no homozygotes.

Submissions (2):

Labcorp Genetics (formerly Invitae), Labcorp
Classification: Uncertain significance. Last evaluated: 2022-10-13. Review status: criteria provided, single submitter. Criteria: Invitae Variant Classification Sherloc (09022015). Collection method: clinical testing. Allele origin: germline.
Comment: This sequence change replaces isoleucine, which is neutral and non-polar, with threonine, which is neutral and polar, at codon 795 of the RP1 protein (p.Ile795Thr). In summary, the available evidence is currently insufficient to determine the role of this variant in disease. Therefore, it has been classified as a Variant of Uncertain Significance. This variant is present in population databases (rs772185171, gnomAD 0.006%). This variant has not been reported in the literature in individuals affected with RP1-related conditions. ClinVar contains an entry for this variant (Variation ID: 1441825). Algorithms developed to predict the effect of missense changes on protein structure and function output the following: SIFT: "Tolerated"; PolyPhen-2: "Benign"; Align-GVGD: "Class C0". The threonine amino acid residue is found in multiple mammalian species, which suggests that this missense change does not adversely affect protein function.

Blueprint Genetics
Classification: Uncertain significance. Last evaluated: 2021-11-07. Review status: criteria provided, single submitter. Criteria: ACMG Guidelines, 2015. Collection method: clinical testing. Allele origin: germline.

NM_006269.2(RP1):c.2384T>C (p.Ile795Thr)

Gene: RP1 (RP1 axonemal microtubule associated; plus strand). Cytogenetic location: 8q12.1.
Variant type: single nucleotide variant.
Coding change: c.2384T>C on transcript NM_006269.2 (MANE Select); coding-DNA position 2384, T replaced by C.
Protein change: p.Ile795Thr; replaces isoleucine 795 with threonine.
Molecular consequence: missense variant. On other transcripts: intron variant (1).
Genome position (GRCh38, 1-based): chr8:54,626,266, T>C. VCF-style: chr8-54626266-T-C. GRCh37 (hg19) VCF-style: chr8-55538826-T-C.
Other names: c.787+3978T>C (NM_001375654.1); short protein forms I795T.
Identifiers: ClinVar variation 1441825 (VCV001441825.7), dbSNP rs772185171, ClinGen allele CA4751520.